The following is an entry in ClinVar:

NM_003331.5(TYK2):c.2716-4C>G

Gene: TYK2 (tyrosine kinase 2; minus strand). Cytogenetic location: 19p13.2.
Variant type: single nucleotide variant.
Coding change: c.2716-4C>G on transcript NM_003331.5 (MANE Select); 4 bases into the intron before coding-DNA position 2716, C replaced by G.
Molecular consequence: intron variant.
Genome position (GRCh38, 1-based): chr19:10,354,238, G>C on the plus strand (C>G on the coding strand, the complement: TYK2 is on the minus strand). VCF-style: chr19-10354238-G-C. GRCh37 (hg19) VCF-style: chr19-10464914-G-C.
Identifiers: ClinVar variation 716686 (VCV000716686.14), dbSNP rs56334302, ClinGen allele CA9192938.

ClinVar aggregate classification (germline): Benign/Likely benign. Review status: criteria provided, multiple submitters, no conflicts (2 of 4 stars). 3 submissions from 3 submitters: Benign (2); Likely benign (1). Last evaluated 2026-01-25.

Conditions:
Immunodeficiency 35 (IMD35). Also called: HIES WITH ATYPICAL MYCOBACTERIOSIS, AUTOSOMAL RECESSIVE; HYPER-IgE SYNDROME WITH ATYPICAL MYCOBACTERIOSIS, AUTOSOMAL RECESSIVE; Susceptibility to infection due to TYK2 deficiency; TYK2 DEFICIENCY. Identifiers: Orphanet 331226, MedGen C1969086, MONDO:0012682, OMIM 611521.

Allele frequency attached by ClinVar (database versions not stated): gnomAD exomes 0.00030 and 0.00121; gnomAD 0.00046 and 0.00065; TOPMed 0.00062; ExAC 0.00122; 1000 Genomes Project 0.00439; 1000 Genomes Project 30x 0.00453.
gnomAD v4.1: 588 of 1,611,070 alleles (0.036%); highest among the groups gnomAD compares: East Asian, 1%; 3 homozygotes.

Submissions (3):

Labcorp Genetics (formerly Invitae), Labcorp
Classification: Benign for Immunodeficiency 35. Last evaluated: 2026-01-25. Review status: criteria provided, single submitter. Criteria: Invitae Variant Classification Sherloc (09022015). Collection method: clinical testing. Allele origin: germline.

Blueprint Genetics
Classification: Likely benign. Last evaluated: 2024-11-07. Review status: criteria provided, single submitter. Criteria: ACMG Guidelines, 2015. Collection method: clinical testing. Allele origin: germline.

Illumina Laboratory Services, Illumina
Classification: Benign for Immunodeficiency 35. Last evaluated: 2018-01-13. Review status: criteria provided, single submitter. Criteria: ICSL Variant Classification Criteria 13 December 2019. Collection method: clinical testing. Allele origin: germline.
Comment: This variant was observed in the ICSL laboratory as part of a predisposition screen in an ostensibly healthy population. It had not been previously curated by ICSL or reported in the Human Gene Mutation Database (HGMD: prior to June 1st, 2018), and was therefore a candidate for classification through an automated scoring system. Utilizing variant allele frequency, disease prevalence and penetrance estimates, and inheritance mode, an automated score was calculated to assess if this variant is too frequent to cause the disease. Based on the score and internal cut-off values, a variant classified as benign is not then subjected to further curation. The score for this variant resulted in a classification of benign for this disease.